The following is an entry in ClinVar:

NM_001382347.1(MYO5A):c.5235-6T>C

Gene: MYO5A (myosin VA; minus strand). Cytogenetic location: 15q21.2.
Variant type: single nucleotide variant.
Coding change: c.5235-6T>C on transcript NM_001382347.1 (MANE Select); 6 bases into the intron before coding-DNA position 5235, T replaced by C.
Molecular consequence: intron variant.
Genome position (GRCh38, 1-based): chr15:52,317,228, A>G on the plus strand (T>C on the coding strand, the complement: MYO5A is on the minus strand). VCF-style: chr15-52317228-A-G. GRCh37 (hg19) VCF-style: chr15-52609425-A-G.
Other names: c.5160-6T>C (NM_000259.3); c.5079-6T>C (NM_001142495.2); c.5232-6T>C (NM_001382349.1); c.5307-6T>C (NM_001382348.1).
Identifiers: ClinVar variation 2262865 (VCV002262865.2), dbSNP rs149988708, ClinGen allele CA7567917.

ClinVar aggregate classification (germline): Uncertain significance (1 of 4 stars; one submission).

Conditions:
Inborn genetic diseases. Identifiers: MedGen C0950123, MeSH D030342.

Allele frequency attached by ClinVar (database versions not stated): gnomAD exomes 0.00001; ExAC 0.00003; TOPMed 0.00003; gnomAD 0.00007; 1000 Genomes Project 30x 0.00016; 1000 Genomes Project 0.00020.
gnomAD v4.1: 39 of 1,611,746 alleles (0.0024%); highest among the groups gnomAD compares: African/African-American, 0.032%; 1 homozygote.

Submission:

Ambry Genetics
Classification: Uncertain significance for Inborn genetic diseases. Last evaluated: 2021-12-23. Review status: criteria provided, single submitter. Criteria: Ambry Variant Classification Scheme 2023. Collection method: clinical testing. Allele origin: germline.
Comment: The c.5160-6T>C intronic alteration consists of a T to C substitution 6 nucleotides before coding exon 39 in the MYO5A gene. Based on insufficient or conflicting evidence, the clinical significance of this alteration remains unclear.